The following is an entry in ClinVar:

NM_025114.4(CEP290):c.635A>G (p.Asn212Ser)

Gene: CEP290 (centrosomal protein 290; minus strand). Cytogenetic location: 12q21.32.
Variant type: single nucleotide variant.
Coding change: c.635A>G on transcript NM_025114.4 (MANE Select); coding-DNA position 635, A replaced by G.
Protein change: p.Asn212Ser; replaces asparagine 212 with serine.
Molecular consequence: missense variant.
Genome position (GRCh38, 1-based): chr12:88,130,302, T>C on the plus strand (A>G on the coding strand, the complement: CEP290 is on the minus strand). VCF-style: chr12-88130302-T-C. GRCh37 (hg19) VCF-style: chr12-88524079-T-C.
Other names: short protein forms N212S.
Identifiers: ClinVar variation 3348338 (VCV003348338.2).
Genomic context (GRCh38, chr12:88,130,302, plus strand): 5'-TCTGAATTGACTTCTAGCCATTTTACCTGAATTTCATCAAGATATTGGATAAGCTCATAG[T>C]TTTTTTTAGACAACTGTGATCGGTAGTCACTGTCTTCCCCTCTTCTTGATAAAAGTGTTT-3'
Protein context (NP_079390.3, residues 202-222): SDYRSQLSKK[Asn212Ser]YELIQYLDEI

ClinVar aggregate classification (germline): Uncertain significance. Review status: criteria provided, single submitter (1 of 4 stars). 2 submissions from 2 submitters: Uncertain significance (1). 1 of the submissions does not count toward it. Last evaluated 2024-12-20.

Conditions:
CEP290-related disorder. Also called: CEP290-related condition; CEP290-related disorders. Identifiers: MedGen CN239314.

Submissions (2):

GeneDx
Classification: Uncertain significance. Last evaluated: 2024-12-20. Review status: criteria provided, single submitter. Criteria: GeneDx Variant Classification Process June 2021. Collection method: clinical testing. Allele origin: germline. Affected: yes.
Comment: Not observed at significant frequency in large population cohorts (gnomAD); In silico analysis supports that this missense variant has a deleterious effect on protein structure/function; Has not been previously published as pathogenic or benign to our knowledge

PreventionGenetics, part of Exact Sciences
Classification: Uncertain significance for CEP290-related condition. Last evaluated: 2024-01-03. Review status: no assertion criteria provided. Collection method: clinical testing. Allele origin: germline. Not counted in ClinVar's aggregate classification.
Comment: The CEP290 c.635A>G variant is predicted to result in the amino acid substitution p.Asn212Ser. To our knowledge, this variant has not been reported in the literature. This variant is reported in 0.0032% of alleles in individuals of Latino descent in gnomAD. At this time, the clinical significance of this variant is uncertain due to the absence of conclusive functional and genetic evidence.